The following is an entry in ClinVar:

NM_000292.3(PHKA2):c.2806+2T>C

Gene: PHKA2 (phosphorylase kinase regulatory subunit alpha 2; minus strand). Cytogenetic location: Xp22.13.
Variant type: single nucleotide variant.
Coding change: c.2806+2T>C on transcript NM_000292.3 (MANE Select); the canonical splice donor site of the intron after coding-DNA position 2806, T replaced by C.
Molecular consequence: splice donor variant.
Genome position (GRCh38, 1-based): chrX:18,906,493, A>G on the plus strand (T>C on the coding strand, the complement: PHKA2 is on the minus strand). VCF-style: chrX-18906493-A-G. GRCh37 (hg19) VCF-style: chrX-18924611-A-G.
Other names: c.2707+2T>C (NM_001440804.1, NM_001440803.1, NM_001440802.1); c.2806+2T>C (NM_001440801.1, NM_001440800.1, NM_001440805.1).
Identifiers: ClinVar variation 4823268 (VCV004823268.4).

ClinVar aggregate classification (germline): Pathogenic (1 of 4 stars; one submission).

Submission:

CeGaT Center for Human Genetics Tuebingen
Classification: Pathogenic. Last evaluated: 2026-02-01. Review status: criteria provided, single submitter. Criteria: CeGaT Center For Human Genetics Tuebingen Variant Classification Criteria Version 2. Collection method: clinical testing. Allele origin: germline. Affected: yes. Observed: 1 variant allele.
Comment: PHKA2: PVS1, PM2